The following is an entry in ClinVar:

NM_024529.5(CDC73):c.1154+9T>G

Gene: CDC73 (cell division cycle 73; plus strand). Cytogenetic location: 1q31.2.
Variant type: single nucleotide variant.
Coding change: c.1154+9T>G on transcript NM_024529.5 (MANE Select); 9 bases into the intron after coding-DNA position 1154, T replaced by G.
Molecular consequence: intron variant.
Genome position (GRCh38, 1-based): chr1:193,212,486, T>G. VCF-style: chr1-193212486-T-G. GRCh37 (hg19) VCF-style: chr1-193181616-T-G.
Identifiers: ClinVar variation 2049572 (VCV002049572.4), dbSNP rs2527456881, ClinGen allele CA2580061764.

ClinVar aggregate classification (germline): Uncertain significance (1 of 4 stars; one submission).

Conditions:
Parathyroid carcinoma (PRTC). Also called: Parathyroid gland carcinoma; CDC73-Related Parathyroid Carcinoma. Identifiers: Orphanet 143, MedGen C0687150, MONDO:0012004, OMIM 608266, HP:0006780.

Submission:

Labcorp Genetics (formerly Invitae), Labcorp
Classification: Uncertain significance for Parathyroid carcinoma. Last evaluated: 2022-08-12. Review status: criteria provided, single submitter. Criteria: Invitae Variant Classification Sherloc (09022015). Collection method: clinical testing. Allele origin: germline.
Comment: Algorithms developed to predict the effect of sequence changes on RNA splicing suggest that this variant may create or strengthen a splice site. This variant has not been reported in the literature in individuals affected with CDC73-related conditions. This variant is not present in population databases (gnomAD no frequency). This sequence change falls in intron 13 of the CDC73 gene. It does not directly change the encoded amino acid sequence of the CDC73 protein. In summary, the available evidence is currently insufficient to determine the role of this variant in disease. Therefore, it has been classified as a Variant of Uncertain Significance.